The following is an entry in ClinVar:

ClinVar aggregate classification (germline): Uncertain significance (1 of 4 stars; one submission).

Conditions:
Tuberous sclerosis 1 (TSC1). Identifiers: Orphanet 805, MedGen C1854465, MONDO:0008612, OMIM 191100.

Submission:

Labcorp Genetics (formerly Invitae), Labcorp
Classification: Uncertain significance for Tuberous sclerosis 1. Last evaluated: 2021-12-23. Review status: criteria provided, single submitter. Criteria: Invitae Variant Classification Sherloc (09022015). Collection method: clinical testing. Allele origin: germline.
Comment: This sequence change creates a premature translational stop signal (p.Pro1058Hisfs*33) in the TSC1 gene. While this is not anticipated to result in nonsense mediated decay, it is expected to disrupt the last 107 amino acid(s) of the TSC1 protein. This variant is not present in population databases (gnomAD no frequency). This variant has not been reported in the literature in individuals affected with TSC1-related conditions. Experimental studies and prediction algorithms are not available or were not evaluated, and the functional significance of this variant is currently unknown. In summary, the available evidence is currently insufficient to determine the role of this variant in disease. Therefore, it has been classified as a Variant of Uncertain Significance.

NM_000368.5(TSC1):c.3173del (p.Pro1058fs)

Gene: TSC1 (TSC complex subunit 1; minus strand). Cytogenetic location: 9q34.13.
Variant type: Deletion.
Coding change: c.3173del on transcript NM_000368.5 (MANE Select); coding-DNA position 3173, one base deleted (C; older notation c.3173delC).
Protein change: p.Pro1058fs; shifts the reading frame from proline 1058.
Molecular consequence: frameshift variant.
Genome position (GRCh38, 1-based): chr9:132,896,557, G deleted on the plus strand (C on the coding strand, the reverse complement: TSC1 is on the minus strand); the first of 3 consecutive G bases (chr9:132,896,557-132,896,559); deleting any one gives the same sequence. VCF-style (leftmost placement, unchanged base first): chr9-132896556-TG-T. GRCh37 (hg19) VCF-style: chr9-135771943-TG-T.
Other names: c.3170del, p.Pro1057fs (NM_001162426.2); c.3020del, p.Pro1007fs (NM_001162427.2); c.2810del, p.Pro937fs (NM_001362177.2); c.3171delC, p.Pro1058Hisfs (NM_001406592.1, NM_001406593.1, NM_001406594.1 and 2 more transcripts); c.3168delC, p.Pro1057Hisfs (NM_001406597.1, NM_001406598.1, NM_001406599.1 and 1 more transcripts); c.3156delC, p.Pro1053Hisfs (NM_001406601.1, NM_001406602.1); c.3153delC, p.Pro1052Hisfs (NM_001406603.1, NM_001406604.1); c.3129delC, p.Pro1044Hisfs (NM_001406605.1, NM_001406606.1, NM_001406607.1); and 11 more; short protein forms P1057fs, P1007fs, P1058fs, P937fs.
Identifiers: ClinVar variation 2054611 (VCV002054611.4), dbSNP rs2538445521, ClinGen allele CA2580080077.
Genomic context (GRCh38, chr9:132,896,556, plus strand): 5'-CACAGTGGTGGGGATGCTGGCAGACGCTTCTCCCATAGTCGTCTCCCACCGACTGCTGAA[TG>T]GGCCTGCCCTCTGGTGTGGGGGTTTCTCTGGGGTAGAAAGCTCGCTGCTGCTGCTGCTGC-3'